The following is an entry in ClinVar:

ClinVar aggregate classification (germline): Pathogenic. Review status: criteria provided, multiple submitters, no conflicts (2 of 4 stars). 2 submissions from 2 submitters: Pathogenic (2). Last evaluated 2023-10-26.

Conditions:
Autosomal recessive ataxia, Beauce type. Also called: Spinocerebellar ataxia, autosomal recessive 8; ATAXIA, RECESSIVE, OF BEAUCE; SYNE1-Related Autosomal Recessive Cerebellar Ataxia; SYNE1 Deficiency. Identifiers: Orphanet 88644, MedGen C1853116, MONDO:0012549, OMIM 610743.
Emery-Dreifuss muscular dystrophy 4, autosomal dominant (EDMD4). Also called: EMERY-DREIFUSS MUSCULAR DYSTROPHY 4 WITH VARIABLE FEATURES. Identifiers: Orphanet 261, MedGen C2751807, MONDO:0013071, OMIM 612998.

gnomAD v4.1: 6 of 1,613,736 alleles (0.00037%); highest among the groups gnomAD compares: South Asian, 0.0011%; no homozygotes.

Submissions (2):

Labcorp Genetics (formerly Invitae), Labcorp
Classification: Pathogenic for Emery-Dreifuss muscular dystrophy 4, autosomal dominant; Autosomal recessive ataxia, Beauce type. Last evaluated: 2023-10-26. Review status: criteria provided, single submitter. Criteria: Invitae Variant Classification Sherloc (09022015). Collection method: clinical testing. Allele origin: germline.
Comment: This sequence change creates a premature translational stop signal (p.Arg5254*) in the SYNE1 gene. It is expected to result in an absent or disrupted protein product. Loss-of-function variants in SYNE1 are known to be pathogenic (PMID: 19542096, 24319099, 27086870). This variant is present in population databases (no rsID available, gnomAD 0.004%). This premature translational stop signal has been observed in individual(s) with early-onset ataxia (PMID: 27086870). ClinVar contains an entry for this variant (Variation ID: 987178). For these reasons, this variant has been classified as Pathogenic.

Institute of Medical Genetics and Applied Genomics, University Hospital Tübingen
Classification: Pathogenic. Last evaluated: 2020-10-23. Review status: criteria provided, single submitter. Criteria: ACMG Guidelines, 2015. Collection method: clinical testing. Allele origin: germline. Inheritance: Autosomal unknown. Affected: yes.

Literature cited by the submitters: PubMed 19542096 (cited by Labcorp Genetics (formerly Invitae), Labcorp); PubMed 24319099 (cited by Labcorp Genetics (formerly Invitae), Labcorp); PubMed 27086870 (cited by Labcorp Genetics (formerly Invitae), Labcorp).

NM_182961.4(SYNE1):c.15973C>T (p.Arg5325Ter)

Gene: SYNE1 (spectrin repeat containing nuclear envelope protein 1; minus strand). Cytogenetic location: 6q25.2.
Variant type: single nucleotide variant.
Coding change: c.15973C>T on transcript NM_182961.4 (MANE Select); coding-DNA position 15973, C replaced by T.
Protein change: p.Arg5325Ter; replaces arginine 5325 with a stop codon.
Molecular consequence: nonsense.
Genome position (GRCh38, 1-based): chr6:152,321,831, G>A on the plus strand (C>T on the coding strand, the complement: SYNE1 is on the minus strand). VCF-style: chr6-152321831-G-A. GRCh37 (hg19) VCF-style: chr6-152642966-G-A.
Other names: c.15760C>T, p.Arg5254Ter (NM_033071.5); short protein forms R5254*, R5325*.
Identifiers: ClinVar variation 987178 (VCV000987178.5), dbSNP rs781354327, ClinGen allele CA150214439.